The following is an entry in ClinVar:

ClinVar aggregate classification (germline): Uncertain significance (1 of 4 stars; one submission).

Conditions:
Glycogen storage disease type III (GSD3). Also called: FORBES DISEASE; Cori disease. Identifiers: Orphanet 366, MedGen C0017922, MONDO:0009291, OMIM 232400.

gnomAD v4.1: 1 of 1,614,062 alleles (0.000062%); no homozygotes.

Submission:

Labcorp Genetics (formerly Invitae), Labcorp
Classification: Uncertain significance for Glycogen storage disease type III. Last evaluated: 2022-11-22. Review status: criteria provided, single submitter. Criteria: Invitae Variant Classification Sherloc (09022015). Collection method: clinical testing. Allele origin: germline.
Comment: This variant is not present in population databases (gnomAD no frequency). In summary, the available evidence is currently insufficient to determine the role of this variant in disease. Therefore, it has been classified as a Variant of Uncertain Significance. Advanced modeling of protein sequence and biophysical properties (such as structural, functional, and spatial information, amino acid conservation, physicochemical variation, residue mobility, and thermodynamic stability) performed at Invitae indicates that this missense variant is not expected to disrupt AGL protein function. This variant has not been reported in the literature in individuals affected with AGL-related conditions. This sequence change replaces asparagine, which is neutral and polar, with threonine, which is neutral and polar, at codon 1334 of the AGL protein (p.Asn1334Thr).

NM_000642.3(AGL):c.4001A>C (p.Asn1334Thr)

Gene: AGL (amylo-alpha-1,6-glucosidase and 4-alpha-glucanotransferase; plus strand). Cytogenetic location: 1p21.2.
Variant type: single nucleotide variant.
Coding change: c.4001A>C on transcript NM_000642.3 (MANE Select); coding-DNA position 4001, A replaced by C.
Protein change: p.Asn1334Thr; replaces asparagine 1334 with threonine.
Molecular consequence: missense variant.
Genome position (GRCh38, 1-based): chr1:99,913,578, A>C. VCF-style: chr1-99913578-A-C. GRCh37 (hg19) VCF-style: chr1-100379134-A-C.
Other names: c.4001A>C, p.Asn1334Thr (NM_000028.3, NM_000643.3, NM_000644.3 and 1 more transcripts); c.3953A>C, p.Asn1318Thr (NM_000646.3); c.3980A>C, p.Asn1327Thr (NM_001425326.1); c.3800A>C, p.Asn1267Thr (NM_001425327.1); c.3797A>C, p.Asn1266Thr (NM_001425328.1); c.3662A>C, p.Asn1221Thr (NM_001425329.1); c.3623A>C, p.Asn1208Thr (NM_001425332.1); short protein forms N1318T, N1334T, N1208T, N1221T, N1266T, N1267T, N1327T.
Identifiers: ClinVar variation 1958079 (VCV001958079.5), dbSNP rs764746505, ClinGen allele CA341339612.